The following is an entry in ClinVar:

ClinVar aggregate classification (germline): Conflicting classifications of pathogenicity. Review status: criteria provided, conflicting classifications (1 of 4 stars). 3 submissions from 3 submitters: Uncertain significance (1); Likely benign (2). Last evaluated 2023-04-28.

Conditions:
Hereditary cancer-predisposing syndrome. Also called: Neoplastic Syndromes, Hereditary; Hereditary Cancer Syndrome; Tumor predisposition; Hereditary neoplastic syndrome. Identifiers: Orphanet 140162, MedGen C0027672, MeSH D009386, MONDO:0015356.
Mitochondrial complex II deficiency, nuclear type 1. Also called: SUCCINATE CoQ REDUCTASE DEFICIENCY. Identifiers: Orphanet 3208, MedGen C5700310, MONDO:0100294, OMIM 252011.
Pheochromocytoma/paraganglioma syndrome 5. Also called: Paragangliomas 5; SDHA-Related Hereditary Paraganglioma-Pheochromocytoma Syndrome. Identifiers: Orphanet 29072, MedGen C3279992, MONDO:0013602, OMIM 614165.

Submissions (3):

GeneDx
Classification: Uncertain significance. Last evaluated: 2023-04-28. Review status: criteria provided, single submitter. Criteria: GeneDx Variant Classification Process June 2021. Collection method: clinical testing. Allele origin: germline.
Comment: Not observed at significant frequency in large population cohorts (gnomAD); Has not been previously published as pathogenic or benign to our knowledge; In-silico analysis is inconclusive as to whether the variant alters gene splicing. In the absence of RNA/functional studies, the actual effect of this sequence change is unknown.

Labcorp Genetics (formerly Invitae), Labcorp
Classification: Likely benign for Pheochromocytoma/paraganglioma syndrome 5; Mitochondrial complex II deficiency, nuclear type 1. Last evaluated: 2022-03-08. Review status: criteria provided, single submitter. Criteria: Invitae Variant Classification Sherloc (09022015). Collection method: clinical testing. Allele origin: germline.

Ambry Genetics
Classification: Likely benign for Hereditary cancer-predisposing syndrome. Last evaluated: 2019-12-11. Review status: criteria provided, single submitter. Criteria: Ambry Variant Classification Scheme 2023. Collection method: clinical testing. Allele origin: germline.

NM_004168.4(SDHA):c.1261-5delinsGAAA

Gene: SDHA (succinate dehydrogenase complex flavoprotein subunit A; plus strand). Cytogenetic location: 5p15.33.
Variant type: Indel.
Coding change: c.1261-5delinsGAAA on transcript NM_004168.4 (MANE Select); 5 bases into the intron before coding-DNA position 1261, C replaced by GAAA.
Molecular consequence: intron variant.
Genome position (GRCh38, 1-based): chr5:236,423, C replaced by GAAA. VCF-style: chr5-236423-C-GAAA. GRCh37 (hg19) VCF-style: chr5-236538-C-GAAA.
Other names: c.1261-5delinsGAAA (NM_001330758.2); c.1117-5delinsGAAA (NM_001294332.2).
Identifiers: ClinVar variation 539666 (VCV000539666.11), dbSNP rs1553999701, ClinGen allele CA658796489.